The following is an entry in ClinVar:

NM_006904.7(PRKDC):c.2600A>G (p.Asn867Ser)

Gene: PRKDC (protein kinase, DNA-activated, catalytic subunit; minus strand). Cytogenetic location: 8q11.21.
Variant type: single nucleotide variant.
Coding change: c.2600A>G on transcript NM_006904.7 (MANE Select); coding-DNA position 2600, A replaced by G.
Protein change: p.Asn867Ser; replaces asparagine 867 with serine.
Molecular consequence: missense variant.
Genome position (GRCh38, 1-based): chr8:47,915,345, T>C on the plus strand (A>G on the coding strand, the complement: PRKDC is on the minus strand). VCF-style: chr8-47915345-T-C. GRCh37 (hg19) VCF-style: chr8-48827905-T-C.
Other names: c.2600A>G, p.Asn867Ser (NM_001081640.2); short protein forms N867S.
Identifiers: ClinVar variation 813628 (VCV000813628.3), dbSNP rs749940416, ClinGen allele CA4741429.

ClinVar aggregate classification (germline): Uncertain significance. Review status: criteria provided, single submitter (1 of 4 stars). 2 submissions from 2 submitters: Uncertain significance (1). 1 of the submissions does not count toward it. Last evaluated 2023-01-12.

Conditions:
Microcephaly. Also called: Microcephaly (disease). Identifiers: MedGen C4551563, MONDO:0001149, HP:0000252.

Allele frequency attached by ClinVar (database versions not stated): gnomAD exomes 0.00001 and 0.00003; ExAC 0.00013.
gnomAD v4.1: 4 of 1,549,356 alleles (0.00026%); highest among the groups gnomAD compares: East Asian, 0.0068%; no homozygotes.

Submissions (2):

Ambry Genetics
Classification: Uncertain significance. Last evaluated: 2023-01-12. Review status: criteria provided, single submitter. Criteria: Ambry Variant Classification Scheme 2023. Collection method: clinical testing. Allele origin: germline.
Comment: The p.N867S variant (also known as c.2600A>G), located in coding exon 23 of the PRKDC gene, results from an A to G substitution at nucleotide position 2600. The asparagine at codon 867 is replaced by serine, an amino acid with highly similar properties. This amino acid position is conserved. In addition, this alteration is predicted to be tolerated by in silico analysis. Since supporting evidence is limited at this time, the clinical significance of this alteration remains unclear.

Department of Pediatrics, Samsung Medical Center, Samsung Medical Center
Classification: Uncertain significance for Microcephaly. Review status: no assertion criteria provided. Criteria: ACMG Guidelines, 2015. Collection method: research. Allele origin: germline. Affected: yes. Not counted in ClinVar's aggregate classification.